The following is an entry in ClinVar:

ClinVar aggregate classification (germline): Benign. Review status: criteria provided, multiple submitters, no conflicts (2 of 4 stars). 3 submissions from 3 submitters: Benign (3). Last evaluated 2026-01-28.

Conditions:
Junctional epidermolysis bullosa. Identifiers: Orphanet 305, MedGen C0079301, MONDO:0017612.

Allele frequency attached by ClinVar (database versions not stated): 1000 Genomes Project 30x 0.01015; ESP Exome Variant Server 0.00869; gnomAD 0.00876 and 0.00948; TOPMed 0.00902; 1000 Genomes Project 0.00938.
gnomAD v4.1: 2,765 of 1,612,374 alleles (0.17%); highest among the groups gnomAD compares: African/African-American, 3%; 31 homozygotes.

Submissions (3):

Labcorp Genetics (formerly Invitae), Labcorp
Classification: Benign. Last evaluated: 2026-01-28. Review status: criteria provided, single submitter. Criteria: Invitae Variant Classification Sherloc (09022015). Collection method: clinical testing. Allele origin: germline.

Illumina Laboratory Services, Illumina
Classification: Benign for Junctional epidermolysis bullosa. Last evaluated: 2018-01-12. Review status: criteria provided, single submitter. Criteria: ICSL Variant Classification Criteria 13 December 2019. Collection method: clinical testing. Allele origin: germline.
Comment: This variant was observed in the ICSL laboratory as part of a predisposition screen in an ostensibly healthy population. It had not been previously curated by ICSL or reported in the Human Gene Mutation Database (HGMD: prior to June 1st, 2018), and was therefore a candidate for classification through an automated scoring system. Utilizing variant allele frequency, disease prevalence and penetrance estimates, and inheritance mode, an automated score was calculated to assess if this variant is too frequent to cause the disease. Based on the score and internal cut-off values, a variant classified as benign is not then subjected to further curation. The score for this variant resulted in a classification of benign for this disease.

Breakthrough Genomics
Classification: Benign. Review status: criteria provided, single submitter. Criteria: ACMG Guidelines, 2015. Collection method: not provided. Allele origin: germline. Inheritance: Autosomal recessive inheritance. Affected: yes.

NM_000228.3(LAMB3):c.2260C>T (p.Arg754Trp)

Gene: LAMB3 (laminin subunit beta 3; minus strand). Cytogenetic location: 1q32.2.
Variant type: single nucleotide variant.
Coding change: c.2260C>T on transcript NM_000228.3 (MANE Select); coding-DNA position 2260, C replaced by T.
Protein change: p.Arg754Trp; replaces arginine 754 with tryptophan.
Molecular consequence: missense variant.
Genome position (GRCh38, 1-based): chr1:209,623,603, G>A on the plus strand (C>T on the coding strand, the complement: LAMB3 is on the minus strand). VCF-style: chr1-209623603-G-A. GRCh37 (hg19) VCF-style: chr1-209796948-G-A.
Other names: c.2260C>T, p.Arg754Trp (NM_001017402.2, NM_001127641.1); short protein forms R754W.
Identifiers: ClinVar variation 775659 (VCV000775659.15), dbSNP rs62637710, ClinGen allele CA1375310.